The following is an entry in ClinVar:

ClinVar aggregate classification (germline): Uncertain significance (1 of 4 stars; one submission).

Submission:

Labcorp Genetics (formerly Invitae), Labcorp
Classification: Uncertain significance. Last evaluated: 2024-10-16. Review status: criteria provided, single submitter. Criteria: Invitae Variant Classification Sherloc (09022015). Collection method: clinical testing. Allele origin: germline.
Comment: This sequence change creates a premature translational stop signal (p.Glu230Serfs*49) in the HOXB13 gene. While this is not anticipated to result in nonsense mediated decay, it is expected to disrupt the last 55 amino acid(s) of the HOXB13 protein. This variant is not present in population databases (gnomAD no frequency). This variant has not been reported in the literature in individuals affected with HOXB13-related conditions. ClinVar contains an entry for this variant (Variation ID: 1018747). Experimental studies and prediction algorithms are not available or were not evaluated, and the functional significance of this variant is currently unknown. In summary, the available evidence is currently insufficient to determine the role of this variant in disease. Therefore, it has been classified as a Variant of Uncertain Significance.

NM_006361.6(HOXB13):c.688del (p.Glu230fs)

Gene: HOXB13 (homeobox B13; minus strand). Cytogenetic location: 17q21.32.
Variant type: Deletion.
Coding change: c.688del on transcript NM_006361.6 (MANE Select); coding-DNA position 688, one base deleted (G; older notation c.688delG).
Protein change: p.Glu230fs; shifts the reading frame from glutamic acid 230.
Molecular consequence: frameshift variant.
Genome position (GRCh38, 1-based): chr17:48,726,957, C deleted on the plus strand (G on the coding strand, the reverse complement: HOXB13 is on the minus strand); the first of 3 consecutive C bases (chr17:48,726,957-48,726,959); deleting any one gives the same sequence. VCF-style (leftmost placement, unchanged base first): chr17-48726956-TC-T. GRCh37 (hg19) VCF-style: chr17-46804318-TC-T.
Other names: short protein forms E230fs.
Identifiers: ClinVar variation 1018747 (VCV001018747.8), dbSNP rs2038218007, ClinGen allele CA2263241858.
Genomic context (GRCh38, chr17:48,726,956, plus strand): 5'-GAGATCTTGCGCCTCTTGTCCTTGGTGATGAACTTGTTAGCCGCATACTCCCGCTCCAGC[TC>T]CCGCAACTGCCCCTTGCTGTACGGAATGCGTTTCTTGCGGCCGCGACGAAAGGCGCAGGC-3'